The following is an entry in ClinVar:

ClinVar aggregate classification (germline): Likely benign (1 of 4 stars; one submission).

Submission:

CeGaT Center for Human Genetics Tuebingen
Classification: Likely benign. Last evaluated: 2025-08-01. Review status: criteria provided, single submitter. Criteria: CeGaT Center For Human Genetics Tuebingen Variant Classification Criteria Version 2. Collection method: clinical testing. Allele origin: germline. Affected: yes. Observed: 1 variant allele.
Comment: TAF1: BP4, BP7

NM_004606.5(TAF1):c.1020T>C (p.Ala340=)

Gene: TAF1 (TATA-box binding protein associated factor 1; plus strand). Cytogenetic location: Xq13.1.
Variant type: single nucleotide variant.
Coding change: c.1020T>C on transcript NM_004606.5 (MANE Select); coding-DNA position 1020, T replaced by C.
Protein change: p.Ala340=; no amino-acid change (alanine 340 retained).
Molecular consequence: synonymous variant. On other transcripts: non-coding transcript variant (9).
Genome position (GRCh38, 1-based): chrX:71,378,321, T>C. VCF-style: chrX-71378321-T-C. GRCh37 (hg19) VCF-style: chrX-70598171-T-C.
Other names: c.1020T>C, p.Ala340= (NM_001286074.2, NM_001440852.1, NM_001440853.1); c.957T>C, p.Ala319= (NM_001440854.1, NM_138923.4).
Identifiers: ClinVar variation 4085913 (VCV004085913.8).